The following is an entry in ClinVar:

ClinVar aggregate classification (germline): Uncertain significance (1 of 4 stars; one submission).

Conditions:
Primary ciliary dyskinesia. Also called: Ciliary dyskinesia. Identifiers: Orphanet 244, MedGen C0008780, MONDO:0016575, HP:0012265.

Allele frequency attached by ClinVar (database versions not stated): ExAC 0.00001; gnomAD 0.00002; gnomAD exomes 0.00002 and 0.00004; TOPMed 0.00005.

Submission:

Labcorp Genetics (formerly Invitae), Labcorp
Classification: Uncertain significance for Primary ciliary dyskinesia. Last evaluated: 2023-07-17. Review status: criteria provided, single submitter. Criteria: Invitae Variant Classification Sherloc (09022015). Collection method: clinical testing. Allele origin: germline.
Comment: In summary, the available evidence is currently insufficient to determine the role of this variant in disease. Therefore, it has been classified as a Variant of Uncertain Significance. Advanced modeling of protein sequence and biophysical properties (such as structural, functional, and spatial information, amino acid conservation, physicochemical variation, residue mobility, and thermodynamic stability) performed at Invitae indicates that this missense variant is expected to disrupt DNAAF5 protein function. ClinVar contains an entry for this variant (Variation ID: 836337). This variant has not been reported in the literature in individuals affected with DNAAF5-related conditions. This variant is present in population databases (rs752282523, gnomAD 0.02%). This sequence change replaces glutamic acid, which is acidic and polar, with lysine, which is basic and polar, at codon 399 of the DNAAF5 protein (p.Glu399Lys).

NM_017802.4(DNAAF5):c.1195G>A (p.Glu399Lys)

Gene: DNAAF5 (dynein axonemal assembly factor 5; plus strand). Cytogenetic location: 7p22.3.
Variant type: single nucleotide variant.
Coding change: c.1195G>A on transcript NM_017802.4 (MANE Select); coding-DNA position 1195, G replaced by A.
Protein change: p.Glu399Lys; replaces glutamic acid 399 with lysine.
Molecular consequence: missense variant. On other transcripts: non-coding transcript variant (1).
Genome position (GRCh38, 1-based): chr7:754,759, G>A. VCF-style: chr7-754759-G-A. GRCh37 (hg19) VCF-style: chr7-794396-G-A.
Other names: short protein forms E399K.
Identifiers: ClinVar variation 836337 (VCV000836337.7), dbSNP rs752282523, ClinGen allele CA4110626.
Genomic context (GRCh38, chr7:754,759, plus strand): 5'-TCGGCACAGCTGCTCCCAGTGCTGCTGCTGCATGCCGAGGACCACGCCACGCAGCACCTG[G>A]AGGTCGTCCTCCGGACCCTGTTCCAGGCCTGCACCGACGAGGAGGCAGCCGTGGTCCAAA-3'
Protein context (NP_060272.3, residues 389-409): HAEDHATQHL[Glu399Lys]VVLRTLFQAC